The following is an entry in ClinVar:

ClinVar aggregate classification (germline): Uncertain significance (1 of 4 stars; one submission).

gnomAD v4.1: 1 of 1,210,035 alleles (0.000083%); highest among the groups gnomAD compares: African/African-American, 0.0017%; no homozygotes.

Submission:

GeneDx
Classification: Uncertain significance. Last evaluated: 2025-05-22. Review status: criteria provided, single submitter. Criteria: GeneDx Variant Classification Process June 2021. Collection method: clinical testing. Allele origin: germline. Affected: yes.
Comment: Not observed at significant frequency in large population cohorts (gnomAD); In silico analysis suggests that this missense variant does not alter protein structure/function; Has not been previously published as pathogenic or benign to our knowledge

NM_005120.3(MED12):c.597G>T (p.Gln199His)

Gene: MED12 (mediator complex subunit 12; plus strand). Cytogenetic location: Xq13.1.
Variant type: single nucleotide variant.
Coding change: c.597G>T on transcript NM_005120.3 (MANE Select); coding-DNA position 597, G replaced by T.
Protein change: p.Gln199His; replaces glutamine 199 with histidine.
Molecular consequence: missense variant.
Genome position (GRCh38, 1-based): chrX:71,121,014, G>T. VCF-style: chrX-71121014-G-T. GRCh37 (hg19) VCF-style: chrX-70340864-G-T.
Other names: short protein forms Q199H.
Identifiers: ClinVar variation 4530808 (VCV004530808.1).